The following is an entry in ClinVar:

ClinVar aggregate classification (germline): Uncertain significance. Review status: criteria provided, multiple submitters, no conflicts (2 of 4 stars). 2 submissions from 2 submitters: Uncertain significance (2). Last evaluated 2025-01-26.

Allele frequency attached by ClinVar (database versions not stated): gnomAD exomes 0.00001; TOPMed 0.00001.
gnomAD v4.1: 3 of 1,511,746 alleles (0.0002%); highest among the groups gnomAD compares: Admixed American, 0.0068%; no homozygotes.

Submissions (2):

Ambry Genetics
Classification: Uncertain significance. Last evaluated: 2025-01-26. Review status: criteria provided, single submitter. Criteria: Ambry Variant Classification Scheme 2023. Collection method: clinical testing. Allele origin: germline.

GeneDx
Classification: Uncertain significance. Last evaluated: 2022-11-18. Review status: criteria provided, single submitter. Criteria: GeneDx Variant Classification Process June 2021. Collection method: clinical testing. Allele origin: germline. Affected: yes.
Comment: In silico analysis supports that this missense variant does not alter protein structure/function; Has not been previously published as pathogenic or benign to our knowledge; Reported using an alternate transcript of the gene

NM_001142730.3(KCTD1):c.1681G>A (p.Glu561Lys)

Gene: KCTD1 (potassium channel tetramerization domain containing 1; minus strand). Cytogenetic location: 18q11.2.
Variant type: single nucleotide variant.
Coding change: c.1681G>A on transcript NM_001142730.3 (MANE Select); coding-DNA position 1681, G replaced by A.
Protein change: p.Glu561Lys; replaces glutamic acid 561 with lysine.
Molecular consequence: missense variant. On other transcripts: intron variant (5).
Genome position (GRCh38, 1-based): chr18:26,546,856, C>T on the plus strand (G>A on the coding strand, the complement: KCTD1 is on the minus strand). VCF-style: chr18-26546856-C-T. GRCh37 (hg19) VCF-style: chr18-24126820-C-T.
Other names: c.10-45606G>A (NM_001258222.3); c.-15-45606G>A (NM_198991.4); c.-16+2873G>A (NM_001258221.2); c.-16+2388G>A (NM_001351443.1); c.-16+2035G>A (NM_001136205.2); c.1681G>A (NM_001142730.1); short protein forms E561K.
Identifiers: ClinVar variation 2502774 (VCV002502774.2), dbSNP rs1454986856, ClinGen allele CA628877610.
Genomic context (GRCh38, chr18:26,546,856, plus strand): 5'-CTGGAAGAAGAGGCAGGGGGTCGTGTTTCACGGAAACCACCACCACCGCATCCACAGGCT[C>T]CGAGGGGCGGATACAAAGTCTTTTGGGGGAAGTGGGGCCGCAGATTTCCCCCGACCCGAA-3'
Protein context (NP_001136202.1, residues 551-571): SPKRLCIRPS[Glu561Lys]PVDAVVVVSV